The following is an entry in ClinVar:

NM_174936.4(PCSK9):c.1492G>A (p.Glu498Lys)

Gene: PCSK9 (proprotein convertase subtilisin/kexin type 9; plus strand). Cytogenetic location: 1p32.3.
Variant type: single nucleotide variant.
Coding change: c.1492G>A on transcript NM_174936.4 (MANE Select); coding-DNA position 1492, G replaced by A.
Protein change: p.Glu498Lys; replaces glutamic acid 498 with lysine.
Molecular consequence: missense variant.
Genome position (GRCh38, 1-based): chr1:55,058,636, G>A. VCF-style: chr1-55058636-G-A. GRCh37 (hg19) VCF-style: chr1-55524309-G-A.
Other names: c.1492G>A, p.Glu498Lys (NM_001407241.1); c.1495G>A, p.Glu499Lys (NM_001407242.1); c.1435G>A, p.Glu479Lys (NM_001407243.1); c.1318G>A, p.Glu440Lys (NM_001407244.1); c.1300G>A, p.Glu434Lys (NM_001407245.1); c.1117G>A, p.Glu373Lys (NM_001407246.1); c.1615G>A, p.Glu539Lys (NM_001407240.1); short protein forms E498K, E479K, E434K, E373K, E440K, E499K, E539K.
Identifiers: ClinVar variation 630163 (VCV000630163.23), dbSNP rs145468572, ClinGen allele CA037249.
Genomic context (GRCh38, chr1:55,058,636, plus strand): 5'-GCCCCAGATGAGGAGCTGCTGAGCTGCTCCAGTTTCTCCAGGAGTGGGAAGCGGCGGGGC[G>A]AGCGCATGGAGGTGACTGTACCCCTCCTTCGTGTGTGTGTGTGTGTGTGTGTGTGTGTGT-3'
Protein context (NP_777596.2, residues 488-508): SFSRSGKRRG[Glu498Lys]RMEAQGGKLV

ClinVar aggregate classification (germline): Uncertain significance. Review status: criteria provided, multiple submitters, no conflicts (2 of 4 stars). 6 submissions from 6 submitters: Uncertain significance (5). 1 of the submissions does not count toward it. Last evaluated 2026-06-15.

Conditions:
Cardiovascular phenotype. Identifiers: MedGen CN230736.
Hypobetalipoproteinemia. Identifiers: Orphanet 31154, MedGen C0020597, MONDO:0017774.
Familial hypercholesterolemia. Also called: Familial hypercholesterolemias; Familial hypercholesterolaemia. Identifiers: MedGen C0020445, MONDO:0005439.
Hypercholesterolemia, autosomal dominant, 3 (FHCL3). Also called: Familial Hypercholesterolemia, Autosomal Dominant, 3; PCSK9-Related Familial Hypercholesterolemia, Autosomal Dominant; Familial hypercholesterolemia 3. Identifiers: MedGen C1863551, MONDO:0011369, OMIM 603776.

Allele frequency attached by ClinVar (database versions not stated): ExAC 0.00005; gnomAD exomes 0.00005 and 0.00015; gnomAD 0.00007 and 0.00008; TOPMed 0.00009; ESP Exome Variant Server 0.00031.
gnomAD v4.1: 260 of 1,610,084 alleles (0.016%); highest among the groups gnomAD compares: Middle Eastern, 0.022%; no homozygotes.

Submissions (6):

Women's Health and Genetics/Laboratory Corporation of America, LabCorp
Classification: Uncertain significance. Last evaluated: 2026-06-15. Review status: criteria provided, single submitter. Criteria: LabCorp Variant Classification Summary - May 2015. Collection method: clinical testing. Allele origin: germline.
Comment: Variant summary: PCSK9 c.1492G>A (p.Glu498Lys) results in a conservative amino acid change in the encoded protein sequence. Algorithms developed to predict the effect of missense changes on protein structure and function are either unavailable or do not agree on the potential impact of this missense change. The variant allele was found at a frequency of 4.9e-05 in 245666 control chromosomes (gnomAD). This frequency is not significantly higher than estimated for disease-causing variants in PCSK9, allowing no conclusion about variant significance. c.1492G>A has been observed in individuals affected with PCSK9-related conditions (e.g. Gutierrez-Cirlos_2011, Lange_2014). These reports do not provide unequivocal conclusions about association of the variant with disease. Publications report experimental evidence evaluating an impact on protein function, however, they do not allow convincing conclusions about the variant effect (e.g. Benjannet_2012, Deng_2020). The following publications have been ascertained in the context of this evaluation (PMID: 21502677, 22875854, 32058034, 24507775). ClinVar contains an entry for this variant (Variation ID: 630163). Based on the evidence outlined above, the variant was classified as uncertain significance.

Color Diagnostics, LLC DBA Color Health
Classification: Uncertain significance for Familial hypercholesterolemia. Last evaluated: 2025-11-21. Review status: criteria provided, single submitter. Criteria: ACMG Guidelines, 2015. Collection method: clinical testing. Allele origin: germline.
Comment: This missense variant replaces glutamic acid with lysine at codon 498 of the PCSK9 protein. Computational prediction suggests that this variant may not impact protein structure and function. A functional study has shown that this variant interferes with PCSK9 protein secretion (PMID: 22875854), while the other study has shown a similar secretion efficiency as the wild-type PCSK9 (PMID: 32058034). This variant has been observed in one individual affected with familial hypobetalipoproteinemia (PMID: 21502677) and has not been reported in individuals affected with familial hypercholesterolemia in the literature. This variant has been identified in 260/1610084 chromosomes in the general population by the Genome Aggregation Database (gnomAD). The available evidence is insufficient to determine the role of this variant in disease conclusively. Therefore, this variant is classified as a Variant of Uncertain Significance.

All of Us Research Program, National Institutes of Health
Classification: Uncertain significance for Hypercholesterolemia, autosomal dominant, 3. Last evaluated: 2024-09-23. Review status: criteria provided, single submitter. Criteria: ACMG Guidelines, 2015. Collection method: clinical testing. Allele origin: germline. Inheritance: Autosomal dominant inheritance. Observed: 40 variant alleles, 40 heterozygotes.
Comment: This missense variant replaces glutamic acid with lysine at codon 498 of the PCSK9 protein. Computational prediction suggests that this variant may not impact protein structure and function (internally defined REVEL score threshold <= 0.5, PMID: 27666373). A functional study has shown that this variant interferes with PCSK9 protein secretion (PMID: 22875854), while the other study has shown a similar secretion efficiency as the wild-type PCSK9 (PMID: 32058034). This variant has been observed in an individual with familial hypobetalipoproteinemia (PMID: 21502677) and has not been reported in individuals affected with familial hypercholesterolemia in the literature. This variant has been identified in 13/277010 chromosomes in the general population by the Genome Aggregation Database (gnomAD). The available evidence is insufficient to determine the role of this variant in disease conclusively. Therefore, this variant is classified as a Variant of Uncertain Significance.

This study involves interpretation of variants in research participants for the purpose of population health screening. Participant phenotype was not available at the time of variant classification. Additional details can be found in publication PMID: 35346344, PMCID: PMC8962531

Labcorp Genetics (formerly Invitae), Labcorp
Classification: Uncertain significance for Hypercholesterolemia, autosomal dominant, 3. Last evaluated: 2024-06-24. Review status: criteria provided, single submitter. Criteria: Invitae Variant Classification Sherloc (09022015). Collection method: clinical testing. Allele origin: germline.
Comment: This sequence change replaces glutamic acid, which is acidic and polar, with lysine, which is basic and polar, at codon 498 of the PCSK9 protein (p.Glu498Lys). This variant is present in population databases (rs145468572, gnomAD 0.01%). This missense change has been observed in individual(s) with low lipid levels (PMID: 21502677, 24507775). ClinVar contains an entry for this variant (Variation ID: 630163). Advanced modeling of protein sequence and biophysical properties (such as structural, functional, and spatial information, amino acid conservation, physicochemical variation, residue mobility, and thermodynamic stability) has been performed at Invitae for this missense variant, however the output from this modeling did not meet the statistical confidence thresholds required to predict the impact of this variant on PCSK9 protein function. Experimental studies are conflicting or provide insufficient evidence to determine the effect of this variant on PCSK9 function (PMID: 22875854, 32058034). This variant disrupts the p.Glu498 amino acid residue in PCSK9. Other variant(s) that disrupt this residue have been determined to be pathogenic (PMID: 36499307). This suggests that this residue is clinically significant, and that variants that disrupt this residue are likely to be disease-causing. In summary, the available evidence is currently insufficient to determine the role of this variant in disease. Therefore, it has been classified as a Variant of Uncertain Significance.

Ambry Genetics
Classification: Uncertain significance for Cardiovascular phenotype. Last evaluated: 2024-06-20. Review status: criteria provided, single submitter. Criteria: Ambry Variant Classification Scheme 2023. Collection method: clinical testing. Allele origin: germline.
Comment: The p.E498K variant (also known as c.1492G>A), located in coding exon 9 of the PCSK9 gene, results from a G to A substitution at nucleotide position 1492. The glutamic acid at codon 498 is replaced by lysine, an amino acid with similar properties. This variant has been detected in an individual with familial hypobetalipoproteinemia who also had variants in other cholesterol-related genes, and in individuals from a low LDL-C (low-density lipoprotein cholesterol) cohort; however, details were limited (Guti&eacute;rrez-Cirlos C et al. Ann Hepatol;10:155-64; Lange LA et al. Am J Hum Genet. 2014 Feb;94(2):233-45). This variant has also been detected in a cohort with personal or family history of cancer (Maxwell KN et al. Am J Hum Genet, 2016 May;98:801-817). In one functional study, this variant was shown to result in significantly reduced protein secretion, a loss of function effect expected to be associated with low levels of LDL-C (Benjannet S et al. J Biol Chem, 2012 Sep;287:33745-55). This amino acid position is not well conserved in available vertebrate species, and lysine is the reference amino acid in other vertebrate species. In addition, this alteration is predicted to be tolerated by in silico analysis. Since supporting evidence is limited at this time, the clinical significance of this alteration remains unclear.

Cardiovascular Genetics Laboratory, PathWest Laboratory Medicine WA - Fiona Stanley Hospital
Classification: Likely pathogenic for Hypobetalipoproteinemia. Last evaluated: 2023-09-11. Review status: no assertion criteria provided. Criteria: ACMG Guidelines, 2015. Collection method: clinical testing. Allele origin: germline. Not counted in ClinVar's aggregate classification.

Literature cited by the submitters: PubMed 24507775 (cited by Women's Health and Genetics/Laboratory Corporation of America, LabCorp and Labcorp Genetics (formerly Invitae), Labcorp); PubMed 32058034 (cited by 4 submitters); PubMed 22875854 (cited by 5 submitters); PubMed 21502677 (cited by 5 submitters); PubMed 36499307 (cited by Labcorp Genetics (formerly Invitae), Labcorp); PubMed 27153395 (cited by Ambry Genetics); PubMed 30779729 (cited by Ambry Genetics).